The following is an entry in ClinVar:

NM_000092.5(COL4A4):c.1803+6T>C

Gene: COL4A4 (collagen type IV alpha 4 chain; minus strand). Cytogenetic location: 2q36.3.
Variant type: single nucleotide variant.
Coding change: c.1803+6T>C on transcript NM_000092.5 (MANE Select); 6 bases into the intron after coding-DNA position 1803, T replaced by C.
Molecular consequence: intron variant.
Genome position (GRCh38, 1-based): chr2:227,080,437, A>G on the plus strand (T>C on the coding strand, the complement: COL4A4 is on the minus strand). VCF-style: chr2-227080437-A-G. GRCh37 (hg19) VCF-style: chr2-227945153-A-G.
Identifiers: ClinVar variation 4749708 (VCV004749708.1).

ClinVar aggregate classification (germline): Uncertain significance (1 of 4 stars; one submission).

Submission:

Labcorp Genetics (formerly Invitae), Labcorp
Classification: Uncertain significance. Last evaluated: 2025-12-21. Review status: criteria provided, single submitter. Criteria: Invitae Variant Classification Sherloc (09022015). Collection method: clinical testing. Allele origin: germline.
Comment: This sequence change falls in intron 24 of the COL4A4 gene. It does not directly change the encoded amino acid sequence of the COL4A4 protein. It affects a nucleotide within the consensus splice site. This variant is not present in population databases (gnomAD no frequency). This variant has not been reported in the literature in individuals affected with COL4A4-related conditions. Variants that disrupt the consensus splice site are a relatively common cause of aberrant splicing (PMID: 17576681, 9536098). Algorithms developed to predict the effect of sequence changes on RNA splicing suggest that this variant may disrupt the consensus splice site. In summary, the available evidence is currently insufficient to determine the role of this variant in disease. Therefore, it has been classified as a Variant of Uncertain Significance.

Literature cited by the submitters: PubMed 17576681; PubMed 9536098.